The following is an entry in ClinVar:

ClinVar aggregate classification (germline): Pathogenic/Likely pathogenic. Review status: criteria provided, multiple submitters, no conflicts (2 of 4 stars). 2 submissions from 2 submitters: Pathogenic (1); Likely pathogenic (1). Last evaluated 2025-12-12.

Conditions:
Recessive dystrophic epidermolysis bullosa (RDEB). Also called: severe generalized recessive dystrophic epidermolysis bullosa; Recessive DEB (RDEB); Hallopeau-Siemens Disease; epidermolysis bullosa dystrophica, autosomal recessive; DYSTROPHIC EPIDERMOLYSIS BULLOSA, AUTOSOMAL RECESSIVE; EPIDERMOLYSIS BULLOSA DYSTROPHICA, HALLOPEAU-SIEMENS TYPE. Identifiers: Orphanet 79408, Orphanet 79409, MedGen C0079474, MONDO:0009179, OMIM 226600.

Submissions (2):

Myriad Genetics, Inc.
Classification: Likely pathogenic for Recessive dystrophic epidermolysis bullosa. Last evaluated: 2025-12-12. Review status: criteria provided, single submitter. Criteria: Myriad Autosomal Dominant, Autosomal Recessive and X-Linked Classification Criteria (2023). Collection method: clinical testing. Allele origin: unknown.
Comment: NM_000094.3(COL7A1):c.8441-15_8445del20 is a variant in a canonical splice site classified as likely pathogenic in the context of dystrophic epidermolysis bullosa. c.8441-15_8445del20 has been observed in cases with relevant disease (PMID: 15888141, 36901775). Relevant functional assessments of this variant are not available in the literature. c.8441-15_8445del20 has not been observed in referenced population frequency databases. In summary, NM_000094.3(COL7A1):c.8441-15_8445del20 is a variant in a canonical splice site that has been observed more frequently in cases with the relevant disease than in healthy populations. Please note: this variant was assessed in the context of healthy population screening.

Labcorp Genetics (formerly Invitae), Labcorp
Classification: Pathogenic. Last evaluated: 2025-07-01. Review status: criteria provided, single submitter. Criteria: Invitae Variant Classification Sherloc (09022015). Collection method: clinical testing. Allele origin: germline.
Comment: This variant results in the deletion of part of exon 115 (c.8441-15_8445del) of the COL7A1 gene. It is expected to disrupt splicing. Variants that disrupt the donor or acceptor splice site typically lead to a loss of protein function (PMID: 16199547), and loss-of-function variants in COL7A1 are known to be disease-causing for autosomal recessive dystrophic epidermolysis bullosa (PMID: 16971478). However, certain variants affecting donor or acceptor splice sites in the triple helical domain of COL7A1 are expected to result in in-frame exon skipping and have been reported to cause autosomal dominant dystrophic epidermolysis bullosa (PMID: 31670143). This variant is not present in population databases (gnomAD no frequency). This variant has been observed in individuals with autosomal recessive dystrophic epidermolysis bullosa (PMID: 15888141; internal data). For these reasons, this variant has been classified as Pathogenic.

Literature cited by the submitters: PubMed 15888141 (cited by Myriad Genetics, Inc. and Labcorp Genetics (formerly Invitae), Labcorp); PubMed 36901775 (cited by Myriad Genetics, Inc.); PubMed 16199547 (cited by Labcorp Genetics (formerly Invitae), Labcorp); PubMed 16971478 (cited by Labcorp Genetics (formerly Invitae), Labcorp); PubMed 31670143 (cited by Labcorp Genetics (formerly Invitae), Labcorp).

NM_000094.4(COL7A1):c.8441-15_8445del

Gene: COL7A1 (collagen type VII alpha 1 chain; minus strand). Cytogenetic location: 3p21.31.
Variant type: Deletion.
Coding change: c.8441-15_8445del on transcript NM_000094.4 (MANE Select); 15 bases into the intron before coding-DNA position 8441 through coding-DNA position 8445, 20 bases deleted (TGCTCTTGGCTCCAGGACCC).
Molecular consequence: splice acceptor variant.
Genome position (GRCh38, 1-based): chr3:48,565,492-48,565,511, GGGTCCTGGAGCCAAGAGCA deleted on the plus strand (TGCTCTTGGCTCCAGGACCC on the coding strand, the reverse complement: COL7A1 is on the minus strand); deleting any 20 consecutive bases within chr3:48,565,492-48,565,514 gives the same sequence; the c. name uses the placement nearest the transcript's 3' end. VCF-style (leftmost placement, unchanged base first): chr3-48565491-GGGGTCCTGGAGCCAAGAGCA-G. GRCh37 (hg19) VCF-style: chr3-48602924-GGGGTCCTGGAGCCAAGAGCA-G.
Identifiers: ClinVar variation 4747287 (VCV004747287.2).